The following is an entry in ClinVar:

NM_001365999.1(SZT2):c.2550+5G>A

Gene: SZT2 (SZT2 subunit of KICSTOR complex; plus strand). Cytogenetic location: 1p34.2.
Variant type: single nucleotide variant.
Coding change: c.2550+5G>A on transcript NM_001365999.1 (MANE Select); 5 bases into the intron after coding-DNA position 2550, G replaced by A.
Molecular consequence: intron variant.
Genome position (GRCh38, 1-based): chr1:43,424,867, G>A. VCF-style: chr1-43424867-G-A. GRCh37 (hg19) VCF-style: chr1-43890538-G-A.
Other names: c.2550+5G>A (NM_015284.4).
Identifiers: ClinVar variation 378698 (VCV000378698.21), dbSNP rs41270349, ClinGen allele CA808728.
Genomic context (GRCh38, chr1:43,424,867, plus strand): 5'-ACTTCGCCTGCAGTGGGGAAGGAATCATCAACATGGTTCTGGAGCTTCCAATTCAGGTAC[G>A]TGCCATCCCCCATGACACCTCCCTGCCAAGGTCTGTCATAATCCCAGGGACACTCACCTC-3'

ClinVar aggregate classification (germline): Benign. Review status: criteria provided, multiple submitters, no conflicts (2 of 4 stars). 5 submissions from 5 submitters: Benign (4). 1 of the submissions does not count toward it. Last evaluated 2026-02-02.

Conditions:
SZT2-related disorder. Also called: SZT2-related condition.
Developmental and epileptic encephalopathy, 18 (DEE18). Also called: Early infantile epileptic encephalopathy 18. Identifiers: Orphanet 369894, MedGen C3809624, MONDO:0014201, OMIM 615476.
Inborn genetic diseases. Identifiers: MedGen C0950123, MeSH D030342.

Allele frequency attached by ClinVar (database versions not stated): TOPMed 0.00062; 1000 Genomes Project 30x 0.00390; 1000 Genomes Project 0.00439.

Submissions (6):

Labcorp Genetics (formerly Invitae), Labcorp
Classification: Benign. Last evaluated: 2026-02-02. Review status: criteria provided, single submitter. Criteria: Invitae Variant Classification Sherloc (09022015). Collection method: clinical testing. Allele origin: germline.

Genome-Nilou Lab
Classification: Benign for Developmental and epileptic encephalopathy, 18. Last evaluated: 2023-04-11. Review status: criteria provided, single submitter. Criteria: ACMG Guidelines, 2015. Collection method: clinical testing. Allele origin: germline. Affected: no.

GeneDx
Classification: Benign. Last evaluated: 2018-12-11. Review status: criteria provided, single submitter. Criteria: GeneDx Variant Classification Process June 2021. Collection method: clinical testing. Allele origin: germline. Affected: yes.

Ambry Genetics
Classification: Benign for Inborn genetic diseases. Last evaluated: 2018-01-16. Review status: criteria provided, single submitter. Criteria: Ambry Variant Classification Scheme 2023. Collection method: clinical testing. Allele origin: germline.

PreventionGenetics, part of Exact Sciences
Classification: Benign for SZT2-related condition. Last evaluated: 2024-03-27. Review status: no assertion criteria provided. Collection method: clinical testing. Allele origin: germline. Not counted in ClinVar's aggregate classification.
Comment: This variant is classified as benign based on ACMG/AMP sequence variant interpretation guidelines (Richards et al. 2015 PMID: 25741868, with internal and published modifications).

Dr. Peter K. Rogan Lab, Western University
No classification provided (evidence only). Condition: Acute myeloid leukemia. Review status: no classification provided. Collection method: in vitro. Allele origin: not applicable. Functional consequence: retained intron. Not counted in ClinVar's aggregate classification.